The following is an entry in ClinVar:

ClinVar aggregate classification (germline): Uncertain significance (1 of 4 stars; one submission).

Submission:

GeneDx
Classification: Uncertain significance. Last evaluated: 2020-01-10. Review status: criteria provided, single submitter. Criteria: GeneDx Variant Classification Process June 2021. Collection method: clinical testing. Allele origin: germline. Affected: yes.
Comment: Reported in trans with a second CTSC variant in a patient with Papillon-Lefevre syndrome in the published literature (Hu et al., 2019); Not observed in large population cohorts (Lek et al., 2016); In silico analysis, which includes protein predictors and evolutionary conservation, supports a deleterious effect; This variant is associated with the following publications: (PMID: 30854815)

NM_001814.6(CTSC):c.800T>C (p.Leu267Pro)

Gene: CTSC (cathepsin C; minus strand). Cytogenetic location: 11q14.2.
Variant type: single nucleotide variant.
Coding change: c.800T>C on transcript NM_001814.6 (MANE Select); coding-DNA position 800, T replaced by C.
Protein change: p.Leu267Pro; replaces leucine 267 with proline.
Molecular consequence: missense variant.
Genome position (GRCh38, 1-based): chr11:88,296,222, A>G on the plus strand (T>C on the coding strand, the complement: CTSC is on the minus strand). VCF-style: chr11-88296222-A-G. GRCh37 (hg19) VCF-style: chr11-88029390-A-G.
Other names: short protein forms L267P.
Identifiers: ClinVar variation 1311590 (VCV001311590.2), dbSNP rs2134765897, ClinGen allele CA382022801.
Genomic context (GRCh38, chr11:88,296,222, plus strand): 5'-TCCTGAGGGCTTAGGATTGGGGTCTGAGAATTGTTGGTTAGTATACGGATTCTCGCTTCT[A>G]GCATACCCATAGAAGCAAATGAGTAGCAGCTGCCACAGGATGCTGGCGATGAAAAAAAGA-3'
Protein context (NP_001805.4, residues 257-277): SCYSFASMGM[Leu267Pro]EARIRILTNN